The following is an entry in ClinVar:

NM_001853.4(COL9A3):c.1624G>A (p.Ala542Thr)

Gene: COL9A3 (collagen type IX alpha 3 chain; plus strand). Cytogenetic location: 20q13.33.
Variant type: single nucleotide variant.
Coding change: c.1624G>A on transcript NM_001853.4 (MANE Select); coding-DNA position 1624, G replaced by A.
Protein change: p.Ala542Thr; replaces alanine 542 with threonine.
Molecular consequence: missense variant.
Genome position (GRCh38, 1-based): chr20:62,837,103, G>A. VCF-style: chr20-62837103-G-A. GRCh37 (hg19) VCF-style: chr20-61468455-G-A.
Other names: c.1624G>A (NM_001853.3); short protein forms A542T.
Identifiers: ClinVar variation 1534553 (VCV001534553.10), dbSNP rs190167637, ClinGen allele CA9950123.

ClinVar aggregate classification (germline): Conflicting classifications of pathogenicity. Review status: criteria provided, conflicting classifications (1 of 4 stars). 3 submissions from 3 submitters: Uncertain significance (1); Likely benign (2). Last evaluated 2026-02-01.

Conditions:
Inborn genetic diseases. Identifiers: MedGen C0950123, MeSH D030342.

Allele frequency attached by ClinVar (database versions not stated): TOPMed 0.00003; gnomAD 0.00007; gnomAD exomes 0.00008; ExAC 0.00010; 1000 Genomes Project 30x 0.00016; 1000 Genomes Project 0.00020.
gnomAD v4.1: 118 of 1,613,468 alleles (0.0073%); highest among the groups gnomAD compares: East Asian, 0.14%; 1 homozygote.

Submissions (3):

Labcorp Genetics (formerly Invitae), Labcorp
Classification: Likely benign. Last evaluated: 2026-02-01. Review status: criteria provided, single submitter. Criteria: Invitae Variant Classification Sherloc (09022015). Collection method: clinical testing. Allele origin: germline.

Ambry Genetics
Classification: Likely benign for Inborn genetic diseases. Last evaluated: 2023-04-28. Review status: criteria provided, single submitter. Criteria: Ambry Variant Classification Scheme 2023. Collection method: clinical testing. Allele origin: germline.

GeneDx
Classification: Uncertain significance. Last evaluated: 2023-02-16. Review status: criteria provided, single submitter. Criteria: GeneDx Variant Classification Process June 2021. Collection method: clinical testing. Allele origin: germline. Affected: yes.
Comment: Has not been previously published as pathogenic or benign to our knowledge; In silico analysis supports that this missense variant does not alter protein structure/function